The following is an entry in ClinVar:

ClinVar aggregate classification (germline): Benign. Review status: criteria provided, multiple submitters, no conflicts (2 of 4 stars). 6 submissions from 6 submitters: Benign (6). Last evaluated 2026-02-01.

Conditions:
Arthrogryposis, renal dysfunction, and cholestasis 1 (ARCS1). Identifiers: Orphanet 2697, MedGen C1859722, MONDO:0008822, OMIM 208085.

Allele frequency attached by ClinVar (database versions not stated): gnomAD exomes 0.00547 and 0.01435; ExAC 0.01754; gnomAD 0.05358 and 0.05737; 1000 Genomes Project 0.05811; ESP Exome Variant Server 0.05865; TOPMed 0.06108; 1000 Genomes Project 30x 0.06168.
gnomAD v4.1: 16,511 of 1,614,110 alleles (1%); highest among the groups gnomAD compares: African/African-American, 19%; 1,400 homozygotes.

Submissions 1 to 30 of 68:

Labcorp Genetics (formerly Invitae), Labcorp
Classification: Benign. Last evaluated: 2026-02-01. Review status: criteria provided, single submitter. Criteria: Invitae Variant Classification Sherloc (09022015). Collection method: clinical testing. Allele origin: germline.

Mayo Clinic Laboratories, Mayo Clinic
Classification: Benign. Last evaluated: 2023-08-04. Review status: criteria provided, single submitter. Criteria: ACMG Guidelines, 2015. Collection method: clinical testing. Allele origin: germline. Observed: 71 variant alleles.

GeneDx
Classification: Benign. Last evaluated: 2019-07-31. Review status: criteria provided, single submitter. Criteria: GeneDx Variant Classification Process June 2021. Collection method: clinical testing. Allele origin: germline. Affected: yes.

Illumina Laboratory Services, Illumina
Classification: Benign for Arthrogryposis, renal dysfunction, and cholestasis 1. Last evaluated: 2018-01-12. Review status: criteria provided, single submitter. Criteria: ICSL Variant Classification Criteria 13 December 2019. Collection method: clinical testing. Allele origin: germline.
Comment: This variant was observed in the ICSL laboratory as part of a predisposition screen in an ostensibly healthy population. It had not been previously curated by ICSL or reported in the Human Gene Mutation Database (HGMD: prior to June 1st, 2018), and was therefore a candidate for classification through an automated scoring system. Utilizing variant allele frequency, disease prevalence and penetrance estimates, and inheritance mode, an automated score was calculated to assess if this variant is too frequent to cause the disease. Based on the score and internal cut-off values, a variant classified as benign is not then subjected to further curation. The score for this variant resulted in a classification of benign for this disease.

Breakthrough Genomics
Classification: Benign. Review status: criteria provided, single submitter. Criteria: ACMG Guidelines, 2015. Collection method: not provided. Allele origin: germline. Inheritance: Autosomal recessive inheritance. Affected: yes.

PreventionGenetics, part of Exact Sciences
Classification: Benign. Review status: criteria provided, single submitter. Criteria: ACMG Guidelines, 2015. Collection method: clinical testing. Allele origin: germline.

Dr. Peter K. Rogan Lab, Western University
No classification provided (evidence only). Condition: Clear cell carcinoma of kidney. Review status: no classification provided. Collection method: in vitro. Allele origin: not applicable. Functional consequence: retained intron. Not counted in ClinVar's aggregate classification.

Dr. Peter K. Rogan Lab, Western University
No classification provided (evidence only). Condition: Clear cell carcinoma of kidney. Review status: no classification provided. Collection method: in vitro. Allele origin: not applicable. Functional consequence: retained intron. Not counted in ClinVar's aggregate classification.

Dr. Peter K. Rogan Lab, Western University
No classification provided (evidence only). Condition: Clear cell carcinoma of kidney. Review status: no classification provided. Collection method: in vitro. Allele origin: not applicable. Functional consequence: retained intron. Not counted in ClinVar's aggregate classification.

Dr. Peter K. Rogan Lab, Western University
No classification provided (evidence only). Condition: Clear cell carcinoma of kidney. Review status: no classification provided. Collection method: in vitro. Allele origin: not applicable. Functional consequence: retained intron. Not counted in ClinVar's aggregate classification.

Dr. Peter K. Rogan Lab, Western University
No classification provided (evidence only). Condition: Clear cell carcinoma of kidney. Review status: no classification provided. Collection method: in vitro. Allele origin: not applicable. Functional consequence: skipped exon. Not counted in ClinVar's aggregate classification.

Dr. Peter K. Rogan Lab, Western University
No classification provided (evidence only). Condition: Clear cell carcinoma of kidney. Review status: no classification provided. Collection method: in vitro. Allele origin: not applicable. Functional consequence: skipped exon, retained intron. Not counted in ClinVar's aggregate classification.

Dr. Peter K. Rogan Lab, Western University
No classification provided (evidence only). Condition: Clear cell carcinoma of kidney. Review status: no classification provided. Collection method: in vitro. Allele origin: not applicable. Functional consequence: retained intron. Not counted in ClinVar's aggregate classification.

Dr. Peter K. Rogan Lab, Western University
No classification provided (evidence only). Condition: Clear cell carcinoma of kidney. Review status: no classification provided. Collection method: in vitro. Allele origin: not applicable. Functional consequence: retained intron. Not counted in ClinVar's aggregate classification.

Dr. Peter K. Rogan Lab, Western University
No classification provided (evidence only). Condition: Clear cell carcinoma of kidney. Review status: no classification provided. Collection method: in vitro. Allele origin: not applicable. Functional consequence: retained intron. Not counted in ClinVar's aggregate classification.

Dr. Peter K. Rogan Lab, Western University
No classification provided (evidence only). Condition: Clear cell carcinoma of kidney. Review status: no classification provided. Collection method: in vitro. Allele origin: not applicable. Functional consequence: skipped exon. Not counted in ClinVar's aggregate classification.

Dr. Peter K. Rogan Lab, Western University
No classification provided (evidence only). Condition: Clear cell carcinoma of kidney. Review status: no classification provided. Collection method: in vitro. Allele origin: not applicable. Functional consequence: retained intron. Not counted in ClinVar's aggregate classification.

Dr. Peter K. Rogan Lab, Western University
No classification provided (evidence only). Condition: Lung cancer. Review status: no classification provided. Collection method: in vitro. Allele origin: not applicable. Functional consequence: skipped exon, retained intron. Not counted in ClinVar's aggregate classification.

Dr. Peter K. Rogan Lab, Western University
No classification provided (evidence only). Condition: Lung cancer. Review status: no classification provided. Collection method: in vitro. Allele origin: not applicable. Functional consequence: skipped exon, retained intron. Not counted in ClinVar's aggregate classification.

Dr. Peter K. Rogan Lab, Western University
No classification provided (evidence only). Condition: Lung cancer. Review status: no classification provided. Collection method: in vitro. Allele origin: not applicable. Functional consequence: skipped exon. Not counted in ClinVar's aggregate classification.

Dr. Peter K. Rogan Lab, Western University
No classification provided (evidence only). Condition: Melanoma. Review status: no classification provided. Collection method: in vitro. Allele origin: not applicable. Functional consequence: retained intron. Not counted in ClinVar's aggregate classification.

Dr. Peter K. Rogan Lab, Western University
No classification provided (evidence only). Condition: Acute myeloid leukemia. Review status: no classification provided. Collection method: in vitro. Allele origin: not applicable. Functional consequence: retained intron. Not counted in ClinVar's aggregate classification.

Dr. Peter K. Rogan Lab, Western University
No classification provided (evidence only). Condition: Acute myeloid leukemia. Review status: no classification provided. Collection method: in vitro. Allele origin: not applicable. Functional consequence: retained intron. Not counted in ClinVar's aggregate classification.

Dr. Peter K. Rogan Lab, Western University
No classification provided (evidence only). Condition: Acute myeloid leukemia. Review status: no classification provided. Collection method: in vitro. Allele origin: not applicable. Functional consequence: skipped exon, retained intron. Not counted in ClinVar's aggregate classification.

Dr. Peter K. Rogan Lab, Western University
No classification provided (evidence only). Condition: Acute myeloid leukemia. Review status: no classification provided. Collection method: in vitro. Allele origin: not applicable. Functional consequence: skipped exon. Not counted in ClinVar's aggregate classification.

Dr. Peter K. Rogan Lab, Western University
No classification provided (evidence only). Condition: Acute myeloid leukemia. Review status: no classification provided. Collection method: in vitro. Allele origin: not applicable. Functional consequence: retained intron. Not counted in ClinVar's aggregate classification.

Dr. Peter K. Rogan Lab, Western University
No classification provided (evidence only). Condition: Acute myeloid leukemia. Review status: no classification provided. Collection method: in vitro. Allele origin: not applicable. Functional consequence: skipped exon, retained intron. Not counted in ClinVar's aggregate classification.

Dr. Peter K. Rogan Lab, Western University
No classification provided (evidence only). Condition: Colon adenocarcinoma. Review status: no classification provided. Collection method: in vitro. Allele origin: not applicable. Functional consequence: skipped exon, retained intron. Not counted in ClinVar's aggregate classification.

Dr. Peter K. Rogan Lab, Western University
No classification provided (evidence only). Condition: Colon adenocarcinoma. Review status: no classification provided. Collection method: in vitro. Allele origin: not applicable. Functional consequence: retained intron. Not counted in ClinVar's aggregate classification.

Dr. Peter K. Rogan Lab, Western University
No classification provided (evidence only). Condition: Colon adenocarcinoma. Review status: no classification provided. Collection method: in vitro. Allele origin: not applicable. Functional consequence: retained intron. Not counted in ClinVar's aggregate classification.

NM_018668.5(VPS33B):c.1656A>T (p.Thr552=)

Gene: VPS33B (VPS33B late endosome and lysosome associated; minus strand). Cytogenetic location: 15q26.1.
Variant type: single nucleotide variant.
Coding change: c.1656A>T on transcript NM_018668.5 (MANE Select); coding-DNA position 1656, A replaced by T.
Protein change: p.Thr552=; no amino-acid change (threonine 552 retained).
Molecular consequence: synonymous variant.
Genome position (GRCh38, 1-based): chr15:90,999,901, T>A on the plus strand (A>T on the coding strand, the complement: VPS33B is on the minus strand). VCF-style: chr15-90999901-T-A. GRCh37 (hg19) VCF-style: chr15-91543131-T-A.
Other names: p.Thr552=; c.1656A>T (NM_018668.4); c.1575A>T, p.Thr525= (NM_001289148.1); c.1383A>T, p.Thr461= (NM_001289149.1).
Identifiers: ClinVar variation 261042 (VCV000261042.18), dbSNP rs16945153, ClinGen allele CA7744561.